The following is an entry in ClinVar:

NM_001101426.4(CRPPA):c.315G>A (p.Met105Ile)

Gene: CRPPA (CDP-L-ribitol pyrophosphorylase A; minus strand). Cytogenetic location: 7p21.2.
Variant type: single nucleotide variant.
Coding change: c.315G>A on transcript NM_001101426.4 (MANE Select); coding-DNA position 315, G replaced by A.
Protein change: p.Met105Ile; replaces methionine 105 with isoleucine.
Molecular consequence: missense variant. On other transcripts: non-coding transcript variant (1).
Genome position (GRCh38, 1-based): chr7:16,406,280, C>T on the plus strand (G>A on the coding strand, the complement: CRPPA is on the minus strand). VCF-style: chr7-16406280-C-T. GRCh37 (hg19) VCF-style: chr7-16445905-C-T.
Other names: p.Met105Ile; c.315G>A, p.Met105Ile (NM_001101417.4, NM_001368197.1); c.315G>A (NM_001101426.3); short protein forms M105I.
Identifiers: ClinVar variation 1680799 (VCV001680799.7), dbSNP rs1190661385, ClinGen allele CA367002778.

ClinVar aggregate classification (germline): Uncertain significance. Review status: criteria provided, multiple submitters, no conflicts (2 of 4 stars). 3 submissions from 3 submitters: Uncertain significance (3). Last evaluated 2025-02-01.

Conditions:
Muscular dystrophy-dystroglycanopathy (congenital with brain and eye anomalies), type A, 7. Also called: WALKER-WARBURG SYNDROME OR MUSCLE-EYE-BRAIN DISEASE, ISPD-RELATED; Congenital muscular dystrophy-dystroglycanopathy with brain and eye anomalies, type A7. Identifiers: Orphanet 899, MedGen C3553330, MONDO:0013835, OMIM 614643.
Autosomal recessive limb-girdle muscular dystrophy type 2U. Also called: Muscular dystrophy-dystroglycanopathy (limb-girdle), type c, 7; MUSCULAR DYSTROPHY, LIMB-GIRDLE, TYPE 2U. Identifiers: Orphanet 352479, MedGen C5190987, MONDO:0014474, OMIM 616052.

Allele frequency attached by ClinVar (database versions not stated): gnomAD exomes 0.00001.

Submissions (3):

Mayo Clinic Laboratories, Mayo Clinic
Classification: Uncertain significance. Last evaluated: 2025-02-01. Review status: criteria provided, single submitter. Criteria: ACMG Guidelines, 2015. Collection method: clinical testing. Allele origin: germline. Observed: 1 variant allele.

Ambry Genetics
Classification: Uncertain significance. Last evaluated: 2023-09-22. Review status: criteria provided, single submitter. Criteria: Ambry Variant Classification Scheme 2023. Collection method: clinical testing. Allele origin: germline.

Labcorp Genetics (formerly Invitae), Labcorp
Classification: Uncertain significance for Muscular dystrophy-dystroglycanopathy (congenital with brain and eye anomalies), type A, 7; Autosomal recessive limb-girdle muscular dystrophy type 2U. Last evaluated: 2022-10-14. Review status: criteria provided, single submitter. Criteria: Invitae Variant Classification Sherloc (09022015). Collection method: clinical testing. Allele origin: germline.
Comment: This sequence change replaces methionine, which is neutral and non-polar, with isoleucine, which is neutral and non-polar, at codon 105 of the ISPD protein (p.Met105Ile). This variant is present in population databases (no rsID available, gnomAD 0.003%). This variant has not been reported in the literature in individuals affected with ISPD-related conditions. ClinVar contains an entry for this variant (Variation ID: 1680799). Advanced modeling of protein sequence and biophysical properties (such as structural, functional, and spatial information, amino acid conservation, physicochemical variation, residue mobility, and thermodynamic stability) performed at Invitae indicates that this missense variant is not expected to disrupt ISPD protein function. In summary, the available evidence is currently insufficient to determine the role of this variant in disease. Therefore, it has been classified as a Variant of Uncertain Significance.